The following is an entry in ClinVar:

NM_001145196.1(SPATA31A6):c.1417T>A (p.Ser473Thr)

Gene: SPATA31A6 (SPATA31 subfamily A member 6; plus strand). Cytogenetic location: 9p11.2.
Variant type: single nucleotide variant.
Coding change: c.1417T>A on transcript NM_001145196.1 (MANE Select); coding-DNA position 1417, T replaced by A.
Protein change: p.Ser473Thr; replaces serine 473 with threonine.
Molecular consequence: missense variant.
Genome position (GRCh38, 1-based): chr9:42,187,119, T>A. VCF-style: chr9-42187119-T-A. GRCh37 (hg19) VCF-style: chr9-43627270-A-T.
Other names: short protein forms S473T.
Identifiers: ClinVar variation 2396251 (VCV002396251.26), dbSNP rs201086833, ClinGen allele CA5067648.

ClinVar aggregate classification (germline): Conflicting classifications of pathogenicity. Review status: criteria provided, conflicting classifications (1 of 4 stars). 2 submissions from 2 submitters: Uncertain significance (1); Likely benign (1). Last evaluated 2022-12-01.

Allele frequency attached by ClinVar (database versions not stated): 1000 Genomes Project 30x 0.00016; ExAC 0.00108; gnomAD 0.00117; ESP Exome Variant Server 0.00140; gnomAD exomes 0.00223.
gnomAD v4.1: 3,244 of 1,539,076 alleles (0.21%); highest among the groups gnomAD compares: Non-Finnish European, 0.27%; 396 homozygotes.

Submissions (2):

CeGaT Center for Human Genetics Tuebingen
Classification: Likely benign. Last evaluated: 2022-12-01. Review status: criteria provided, single submitter. Criteria: CeGaT Center For Human Genetics Tuebingen Variant Classification Criteria Version 2. Collection method: clinical testing. Allele origin: germline. Affected: yes. Observed: 1 variant allele.
Comment: SPATA31A6: BS2

Ambry Genetics
Classification: Uncertain significance. Last evaluated: 2021-08-12. Review status: criteria provided, single submitter. Criteria: Ambry Variant Classification Scheme 2023. Collection method: clinical testing. Allele origin: germline.